The following is an entry in ClinVar:

NM_181552.4(CUX1):c.4216_4230dup (p.Ala1406_Ala1410dup)

Gene: CUX1 (cut like homeobox 1; plus strand). Cytogenetic location: 7q22.1.
Variant type: Duplication.
Coding change: c.4216_4230dup on transcript NM_181552.4 (MANE Select); coding-DNA positions 4216 to 4230, 15 bases duplicated (GCCTCCGCGACCGCC).
Protein change: p.Ala1406_Ala1410dup.
Molecular consequence: inframe insertion. On other transcripts: intron variant (5).
Genome position (GRCh38, 1-based): chr7:102,248,740-102,248,754, GCCTCCGCGACCGCC duplicated; duplicating any 15 consecutive bases within chr7:102,248,738-102,248,754 gives the same sequence; the c. name uses the placement nearest the transcript's 3' end. VCF-style (leftmost placement, unchanged base first): chr7-102248737-C-CCCGCCTCCGCGACCG. GRCh37 (hg19) VCF-style: chr7-101892017-C-CCCGCCTCCGCGACCG.
Other names: c.4249_4263dup, p.Ala1417_Ala1421dup (NM_001202543.2); c.1256-24626_1256-24612dup (NM_001913.5); c.1250-24626_1250-24612dup (NM_181500.4); c.1118-24626_1118-24612dup (NM_001202545.3); c.1208-24626_1208-24612dup (NM_001202544.3); c.1139-24626_1139-24612dup (NM_001202546.3).
Identifiers: ClinVar variation 933964 (VCV000933964.9), dbSNP rs1215348558, ClinGen allele CA830658816.
Genomic context (GRCh38, chr7:102,248,737, plus strand): 5'-GACGCCCGCGACGACGACCACGAGGGAGGCCCCGTGGAAGGCCCGGGGCCCCTGCCCAGC[C>CCCGCCTCCGCGACCG]CCGCCTCCGCGACCGCCACCGCCGCGCCCGCGGCCCCCGAGGACGCCGCTACCTCAGCCG-3'

ClinVar aggregate classification (germline): Uncertain significance (1 of 4 stars; one submission).

Submission:

Labcorp Genetics (formerly Invitae), Labcorp
Classification: Uncertain significance. Last evaluated: 2019-08-29. Review status: criteria provided, single submitter. Criteria: Invitae Variant Classification Sherloc (09022015). Collection method: clinical testing. Allele origin: germline.
Comment: In summary, the available evidence is currently insufficient to determine the role of this variant in disease. Therefore, it has been classified as a Variant of Uncertain Significance. Experimental studies and prediction algorithms are not available or were not evaluated for this variant, and the functional significance of this variant is currently unknown. This variant has not been reported in the literature in individuals with CUX1-related conditions. The frequency data for this variant in the population databases is considered unreliable, as metrics indicate insufficient coverage at this position in the ExAC database. This variant, c.4249_4263dup, results in the insertion of 5 amino acid(s) to the CUX1 protein (p.Ala1417_Ala1421dup), but otherwise preserves the integrity of the reading frame.